The following is an entry in ClinVar:

ClinVar aggregate classification (germline): Uncertain significance. Review status: criteria provided, multiple submitters, no conflicts (2 of 4 stars). 2 submissions from 2 submitters: Uncertain significance (2). Last evaluated 2025-03-18.

Conditions:
Cardiovascular phenotype. Identifiers: MedGen CN230736.

Allele frequency attached by ClinVar (database versions not stated): TOPMed below 0.00001.

Submissions (2):

Ambry Genetics
Classification: Uncertain significance for Cardiovascular phenotype. Last evaluated: 2025-03-18. Review status: criteria provided, single submitter. Criteria: Ambry Variant Classification Scheme 2023. Collection method: clinical testing. Allele origin: germline.
Comment: The p.H75Y variant (also known as c.223C>T), located in coding exon 3 of the CACNB2 gene, results from a C to T substitution at nucleotide position 223. The histidine at codon 75 is replaced by tyrosine, an amino acid with similar properties. This amino acid position is conserved. In addition, this alteration is predicted to be tolerated by in silico analysis. Based on the available evidence, the clinical significance of this variant remains unclear.

GeneDx
Classification: Uncertain significance. Last evaluated: 2017-01-17. Review status: criteria provided, single submitter. Criteria: GeneDx Variant Classification (06012015). Collection method: clinical testing. Allele origin: germline. Affected: yes.
Comment: The H75Y variant of uncertain significance in the CACNB2 gene has not been published as a pathogenic variant, nor has it been reported as a benign variant to our knowledge. H75Y was not observed in approximately 6,500 individuals of European and African American ancestry in the NHLBI Exome Sequencing Project, nor was it observed in the Exome Aggregation Consortium, indicating it is not a common benign variant in these populations. The H75Y variant is a non-conservative amino acid substitution, which is likely to impact secondary protein structure as these residues differ in polarity, charge, size and/or other properties. However, this substitution occurs at a position that is not conserved. In silico analysis is inconsistent in its predictions as to whether or not the variant is damaging to the protein structure/function.

NM_201596.3(CACNB2):c.385C>T (p.His129Tyr)

Gene: CACNB2 (calcium voltage-gated channel auxiliary subunit beta 2; plus strand). Cytogenetic location: 10p12.31.
Variant type: single nucleotide variant.
Coding change: c.385C>T on transcript NM_201596.3 (MANE Select); coding-DNA position 385, C replaced by T.
Protein change: p.His129Tyr; replaces histidine 129 with tyrosine.
Molecular consequence: missense variant.
Genome position (GRCh38, 1-based): chr10:18,498,406, C>T. VCF-style: chr10-18498406-C-T. GRCh37 (hg19) VCF-style: chr10-18787335-C-T.
Other names: c.220C>T, p.His74Tyr (NM_000724.4, NM_001330060.2); c.301C>T, p.His101Tyr (NM_001167945.2, NM_201571.4, NM_201572.4); c.241C>T, p.His81Tyr (NM_201570.3); c.223C>T, p.His75Tyr (NM_201590.3); c.385C>T, p.His129Tyr (NM_201593.3, NM_201597.3); short protein forms H129Y, H75Y, H101Y, H81Y, H74Y.
Identifiers: ClinVar variation 392767 (VCV000392767.3), dbSNP rs1057524620, ClinGen allele CA16605619.